The following is an entry in ClinVar:

NM_002778.4(PSAP):c.910-183G>T

Gene: PSAP (prosaposin; minus strand). Cytogenetic location: 10q22.1.
Variant type: single nucleotide variant.
Coding change: c.910-183G>T on transcript NM_002778.4 (MANE Select); 183 bases into the intron before coding-DNA position 910, G replaced by T.
Molecular consequence: intron variant.
Genome position (GRCh38, 1-based): chr10:71,820,518, C>A on the plus strand (G>T on the coding strand, the complement: PSAP is on the minus strand). VCF-style: chr10-71820518-C-A. GRCh37 (hg19) VCF-style: chr10-73580275-C-A.
Other names: c.916-183G>T (NM_001042466.3); c.919-183G>T (NM_001042465.3).
Identifiers: ClinVar variation 1706888 (VCV001706888.2), dbSNP rs148021314, ClinGen allele CA209456093.

ClinVar aggregate classification (germline): Likely benign (1 of 4 stars; one submission).

Allele frequency attached by ClinVar (database versions not stated): gnomAD 0.01124; 1000 Genomes Project 0.01138; 1000 Genomes Project 30x 0.01218; TOPMed 0.01242.
gnomAD v4.1: 1,697 of 152,100 alleles (1.1%); highest among the groups gnomAD compares: African/African-American, 3.8%; 30 homozygotes.

Submission:

GeneDx
Classification: Likely benign. Last evaluated: 2019-03-09. Review status: criteria provided, single submitter. Criteria: GeneDx Variant Classification Process June 2021. Collection method: clinical testing. Allele origin: germline. Affected: yes.
Comment: See Variant Classification Assertion Criteria.